The following is an entry in ClinVar:

ClinVar aggregate classification (germline): Conflicting classifications of pathogenicity. Review status: criteria provided, conflicting classifications (1 of 4 stars). 3 submissions from 3 submitters: Uncertain significance (2); Likely benign (1). Last evaluated 2025-04-03.

Conditions:
Inborn genetic diseases. Identifiers: MedGen C0950123, MeSH D030342.
Spinocerebellar ataxia 42, early-onset, severe, with neurodevelopmental deficits. Identifiers: MedGen C4748120, MONDO:0060758, OMIM 618087.

Allele frequency attached by ClinVar (database versions not stated): gnomAD 0.00001; TOPMed 0.00001.

Submissions (3):

Ambry Genetics
Classification: Likely benign for Inborn genetic diseases. Last evaluated: 2025-04-03. Review status: criteria provided, single submitter. Criteria: Ambry Variant Classification Scheme 2023. Collection method: clinical testing. Allele origin: germline.

Women's Health and Genetics/Laboratory Corporation of America, LabCorp
Classification: Uncertain significance. Last evaluated: 2024-11-06. Review status: criteria provided, single submitter. Criteria: LabCorp Variant Classification Summary - May 2015. Collection method: clinical testing. Allele origin: germline.
Comment: Variant summary: CACNA1G c.5906T>C (p.Leu1969Pro) results in a non-conservative amino acid change in the encoded protein sequence. Three of five in-silico tools predict a benign effect of the variant on protein function. The frequency data for this variant in gnomAD is considered unreliable, as metrics indicate poor data quality at this position. To our knowledge, no occurrence of c.5906T>C in individuals affected with Spinocerebellar Ataxia Type 42 and no experimental evidence demonstrating its impact on protein function have been reported. ClinVar contains an entry for this variant (Variation ID: 1342394). Based on the evidence outlined above, the variant was classified as uncertain significance.

New York Genome Center
Classification: Uncertain significance for Spinocerebellar ataxia 42, early-onset, severe, with neurodevelopmental deficits. Last evaluated: 2021-05-18. Review status: criteria provided, single submitter. Criteria: NYGC Assertion Criteria 2020. Collection method: clinical testing. Allele origin: inherited. Observed: 1 heterozygote. Study: CSER-NYCKidSeq.
Comment: The inherited heterozygous c.5906T>C, p.Leu1969Pro variant in CACNA1G has not been reported in the literature. This variant is absent in the gnomAD v3.1 database, indicating a rare allele, and in silico tools predict a conflicting evidence of pathogenicity. Based on the available evidence, the inherited c.5906T>C, p.Leu1969Pro variant in the CACNA1G gene is classified as a variant of uncertain significance.

NM_018896.5(CACNA1G):c.5906T>C (p.Leu1969Pro)

Gene: CACNA1G (calcium voltage-gated channel subunit alpha1 G; plus strand). Cytogenetic location: 17q21.33.
Variant type: single nucleotide variant.
Coding change: c.5906T>C on transcript NM_018896.5 (MANE Select); coding-DNA position 5906, T replaced by C.
Protein change: p.Leu1969Pro; replaces leucine 1969 with proline.
Molecular consequence: missense variant. On other transcripts: intron variant (20).
Genome position (GRCh38, 1-based): chr17:50,619,807, T>C. VCF-style: chr17-50619807-T-C. GRCh37 (hg19) VCF-style: chr17-48697168-T-C.
Other names: c.5852T>C, p.Leu1951Pro (NM_001256324.2); c.5771T>C, p.Leu1924Pro (NM_001256326.2); c.5873T>C, p.Leu1958Pro (NM_198377.3, NM_198380.3); c.5804T>C, p.Leu1935Pro (NM_198379.3, NM_198396.3); c.5906T>C, p.Leu1969Pro (NM_198385.3); c.5802+799T>C (NM_001256325.2); c.5748+799T>C (NM_198378.3, NM_001256334.2); c.5781+799T>C (NM_198384.3, NM_001256333.2); and 13 more; short protein forms L1924P, L1935P, L1951P, L1958P, L1969P.
Identifiers: ClinVar variation 1342394 (VCV001342394.3), dbSNP rs1312607495, ClinGen allele CA400267001.